The following is an entry in ClinVar:

NM_001849.4(COL6A2):c.1022C>T (p.Pro341Leu)

Gene: COL6A2 (collagen type VI alpha 2 chain; plus strand). Cytogenetic location: 21q22.3.
Variant type: single nucleotide variant.
Coding change: c.1022C>T on transcript NM_001849.4 (MANE Select); coding-DNA position 1022, C replaced by T.
Protein change: p.Pro341Leu; replaces proline 341 with leucine.
Molecular consequence: missense variant.
Genome position (GRCh38, 1-based): chr21:46,117,422, C>T. VCF-style: chr21-46117422-C-T. GRCh37 (hg19) VCF-style: chr21-47537336-C-T.
Other names: c.1022C>T, p.Pro341Leu (NM_058174.3, NM_058175.3); short protein forms P341L.
Identifiers: ClinVar variation 2490373 (VCV002490373.3), dbSNP rs1446460831, ClinGen allele CA410527344.

ClinVar aggregate classification (germline): Uncertain significance. Review status: criteria provided, multiple submitters, no conflicts (2 of 4 stars). 2 submissions from 2 submitters: Uncertain significance (2). Last evaluated 2023-06-21.

Conditions:
Inborn genetic diseases. Identifiers: MedGen C0950123, MeSH D030342.

Allele frequency attached by ClinVar (database versions not stated): gnomAD exomes below 0.00001.
gnomAD v4.1: 2 of 1,612,856 alleles (0.00012%); highest among the groups gnomAD compares: African/African-American, 0.0027%; no homozygotes.

Submissions (2):

GeneDx
Classification: Uncertain significance. Last evaluated: 2023-06-21. Review status: criteria provided, single submitter. Criteria: GeneDx Variant Classification Process June 2021. Collection method: clinical testing. Allele origin: germline. Affected: yes.
Comment: Not observed at significant frequency in large population cohorts (gnomAD); In silico analysis supports that this missense variant does not alter protein structure/function; Has not been previously published as pathogenic or benign to our knowledge

Ambry Genetics
Classification: Uncertain significance for Inborn genetic diseases. Last evaluated: 2023-02-28. Review status: criteria provided, single submitter. Criteria: Ambry Variant Classification Scheme 2023. Collection method: clinical testing. Allele origin: germline.